The following is an entry in ClinVar:

NM_181882.3(PRX):c.1472T>C (p.Leu491Pro)

Gene: PRX (periaxin; minus strand). Cytogenetic location: 19q13.2.
Variant type: single nucleotide variant.
Coding change: c.1472T>C on transcript NM_181882.3 (MANE Select); coding-DNA position 1472, T replaced by C.
Protein change: p.Leu491Pro; replaces leucine 491 with proline.
Molecular consequence: missense variant. On other transcripts: 3 prime UTR variant (1).
Genome position (GRCh38, 1-based): chr19:40,396,880, A>G on the plus strand (T>C on the coding strand, the complement: PRX is on the minus strand). VCF-style: chr19-40396880-A-G. GRCh37 (hg19) VCF-style: chr19-40902787-A-G.
Other names: c.1472T>C (NM_181882.2); c.*1677T>C (NM_020956.2); short protein forms L491P.
Identifiers: ClinVar variation 1420397 (VCV001420397.7), dbSNP rs1235376433, ClinGen allele CA405898322.

ClinVar aggregate classification (germline): Uncertain significance. Review status: criteria provided, multiple submitters, no conflicts (2 of 4 stars). 2 submissions from 2 submitters: Uncertain significance (2). Last evaluated 2025-08-24.

Conditions:
Charcot-Marie-Tooth disease type 4. Also called: Charcot-Marie-Tooth disease, type IV; Charcot-Marie-Tooth, Type 4. Identifiers: Orphanet 64749, MedGen C4082197, MONDO:0018995.
Inborn genetic diseases. Identifiers: MedGen C0950123, MeSH D030342.

Allele frequency attached by ClinVar (database versions not stated): TOPMed 0.00001; gnomAD 0.00002.

Submissions (2):

Ambry Genetics
Classification: Uncertain significance for Inborn genetic diseases. Last evaluated: 2025-08-24. Review status: criteria provided, single submitter. Criteria: Ambry Variant Classification Scheme 2023. Collection method: clinical testing. Allele origin: germline.

Labcorp Genetics (formerly Invitae), Labcorp
Classification: Uncertain significance for Charcot-Marie-Tooth disease type 4. Last evaluated: 2024-11-05. Review status: criteria provided, single submitter. Criteria: Invitae Variant Classification Sherloc (09022015). Collection method: clinical testing. Allele origin: germline.
Comment: This sequence change replaces leucine, which is neutral and non-polar, with proline, which is neutral and non-polar, at codon 491 of the PRX protein (p.Leu491Pro). The frequency data for this variant in the population databases is considered unreliable, as metrics indicate poor data quality at this position in the gnomAD database. This variant has not been reported in the literature in individuals affected with PRX-related conditions. ClinVar contains an entry for this variant (Variation ID: 1420397). An algorithm developed to predict the effect of missense changes on protein structure and function (PolyPhen-2) suggests that this variant is likely to be disruptive. In summary, the available evidence is currently insufficient to determine the role of this variant in disease. Therefore, it has been classified as a Variant of Uncertain Significance.